The following is an entry in ClinVar:

ClinVar aggregate classification (germline): Uncertain significance. Review status: criteria provided, multiple submitters, no conflicts (2 of 4 stars). 2 submissions from 2 submitters: Uncertain significance (2). Last evaluated 2025-05-28.

Submissions (2):

Ambry Genetics
Classification: Uncertain significance. Last evaluated: 2025-05-28. Review status: criteria provided, single submitter. Criteria: Ambry Variant Classification Scheme 2023. Collection method: clinical testing. Allele origin: germline.

Labcorp Genetics (formerly Invitae), Labcorp
Classification: Uncertain significance. Last evaluated: 2022-01-07. Review status: criteria provided, single submitter. Criteria: Invitae Variant Classification Sherloc (09022015). Collection method: clinical testing. Allele origin: germline.
Comment: Algorithms developed to predict the effect of sequence changes on RNA splicing suggest that this variant may create or strengthen a splice site. In summary, the available evidence is currently insufficient to determine the role of this variant in disease. Therefore, it has been classified as a Variant of Uncertain Significance. Algorithms developed to predict the effect of missense changes on protein structure and function output the following: SIFT: "Tolerated"; PolyPhen-2: "Benign"; Align-GVGD: "Class C0". The valine amino acid residue is found in multiple mammalian species, which suggests that this missense change does not adversely affect protein function. This sequence change replaces methionine, which is neutral and non-polar, with valine, which is neutral and non-polar, at codon 129 of the FAM65B protein (p.Met129Val). The frequency data for this variant in the population databases is considered unreliable, as metrics indicate poor data quality at this position in the gnomAD database. This variant has not been reported in the literature in individuals affected with FAM65B-related conditions.

NM_001286445.3(RIPOR2):c.472A>G (p.Met158Val)

Gene: RIPOR2 (RHO family interacting cell polarization regulator 2; minus strand). Cytogenetic location: 6p22.3.
Variant type: single nucleotide variant.
Coding change: c.472A>G on transcript NM_001286445.3 (MANE Select); coding-DNA position 472, A replaced by G.
Protein change: p.Met158Val; replaces methionine 158 with valine.
Molecular consequence: missense variant.
Genome position (GRCh38, 1-based): chr6:24,869,123, T>C on the plus strand (A>G on the coding strand, the complement: RIPOR2 is on the minus strand). VCF-style: chr6-24869123-T-C. GRCh37 (hg19) VCF-style: chr6-24869351-T-C.
Other names: c.487A>G, p.Met163Val (NM_001286446.3); c.385A>G, p.Met129Val (NM_001286447.2, NM_001346031.2, NM_001346032.2 and 2 more transcripts); c.385A>G (NM_014722.2); short protein forms M129V, M158V, M163V.
Identifiers: ClinVar variation 1680519 (VCV001680519.7), dbSNP rs1354539445, ClinGen allele CA362982341.
Genomic context (GRCh38, chr6:24,869,123, plus strand): 5'-AACAGGCAATGAGAACAGGAATTTCAGTTACCTTACTTATATGAAACTCCAGGCGTCTCA[T>C]GTATCTTTCAATTGTTTTAATTTGCTGGAATTAAAAGAAGTTTGAAAAAGTACAGTCATT-3'
Protein context (NP_001273374.1, residues 148-168): DKQIKTIERY[Met158Val]RRLEFHISKV